The following is an entry in ClinVar:

ClinVar aggregate classification (germline): Conflicting classifications of pathogenicity. Review status: criteria provided, conflicting classifications (1 of 4 stars). 3 submissions from 3 submitters: Uncertain significance (2); Likely benign (1). Last evaluated 2021-02-19.

Conditions:
Hereditary cancer-predisposing syndrome. Also called: Hereditary neoplastic syndrome; Hereditary Cancer Syndrome; Neoplastic Syndromes, Hereditary; Tumor predisposition. Identifiers: Orphanet 140162, MedGen C0027672, MeSH D009386, MONDO:0015356.
Familial adenomatous polyposis 2. Also called: MYH-associated polyposis; COLORECTAL ADENOMATOUS POLYPOSIS, AUTOSOMAL RECESSIVE; ADENOMAS, MULTIPLE COLORECTAL, AUTOSOMAL RECESSIVE; MUTYH-related attenuated familial adenomatous polyposis; Adenomas, multiple colorectal; FAP type 2. Identifiers: Orphanet 220460, Orphanet 247798, MedGen C3272841, MONDO:0012041, OMIM 608456.

Allele frequency attached by ClinVar (database versions not stated): gnomAD exomes below 0.00001.
gnomAD v4.1: 1 of 1,614,164 alleles (0.000062%); highest among the groups gnomAD compares: South Asian, 0.0011%; no homozygotes.

Submissions (3):

Labcorp Genetics (formerly Invitae), Labcorp
Classification: Uncertain significance for Familial adenomatous polyposis 2. Last evaluated: 2021-02-19. Review status: criteria provided, single submitter. Criteria: Invitae Variant Classification Sherloc (09022015). Collection method: clinical testing. Allele origin: germline.
Comment: In summary, the available evidence is currently insufficient to determine the role of this variant in disease. Therefore, it has been classified as a Variant of Uncertain Significance. Algorithms developed to predict the effect of missense changes on protein structure and function output the following: SIFT: "Tolerated"; PolyPhen-2: "Benign"; Align-GVGD: "Class C0". The asparagine amino acid residue is found in multiple mammalian species, suggesting that this missense change does not adversely affect protein function. These predictions have not been confirmed by published functional studies and their clinical significance is uncertain. This variant has not been reported in the literature in individuals with MUTYH-related conditions. ClinVar contains an entry for this variant (Variation ID: 483902). This variant is not present in population databases (ExAC no frequency). This sequence change replaces serine with asparagine at codon 543 of the MUTYH protein (p.Ser543Asn). The serine residue is weakly conserved and there is a small physicochemical difference between serine and asparagine.

GeneDx
Classification: Uncertain significance. Last evaluated: 2019-12-17. Review status: criteria provided, single submitter. Criteria: GeneDx Variant Classification Process June 2021. Collection method: clinical testing. Allele origin: germline. Affected: yes.
Comment: Not observed in large population cohorts (Lek 2016); In silico analysis, which includes protein predictors and evolutionary conservation, supports that this variant does not alter protein structure/function; Has not been previously published as pathogenic or benign to our knowledge

Ambry Genetics
Classification: Likely benign for Hereditary cancer-predisposing syndrome. Last evaluated: 2017-09-06. Review status: criteria provided, single submitter. Criteria: Ambry Variant Classification Scheme 2023. Collection method: clinical testing. Allele origin: germline.

NM_001048174.2(MUTYH):c.1544G>A (p.Ser515Asn)

Gene: MUTYH (mutY DNA glycosylase; minus strand). Cytogenetic location: 1p34.1.
Variant type: single nucleotide variant.
Coding change: c.1544G>A on transcript NM_001048174.2 (MANE Select); coding-DNA position 1544, G replaced by A.
Protein change: p.Ser515Asn; replaces serine 515 with asparagine.
Molecular consequence: missense variant. On other transcripts: non-coding transcript variant (2).
Genome position (GRCh38, 1-based): chr1:45,329,328, C>T on the plus strand (G>A on the coding strand, the complement: MUTYH is on the minus strand). VCF-style: chr1-45329328-C-T. GRCh37 (hg19) VCF-style: chr1-45795000-C-T.
Other names: c.1544G>A, p.Ser515Asn (NM_001048171.2, NM_001048173.2, NM_001293195.2); c.1547G>A, p.Ser516Asn (NM_001048172.2); c.1628G>A, p.Ser543Asn (NM_001128425.2); c.1589G>A, p.Ser530Asn (NM_001293190.2); c.1577G>A, p.Ser526Asn (NM_001293191.2); c.1268G>A, p.Ser423Asn (NM_001293192.2, NM_001293196.2); c.1199G>A, p.Ser400Asn (NM_001350650.2, NM_001350651.2); c.1619G>A, p.Ser540Asn (NM_012222.3); short protein forms S543N, S400N, S515N, S526N, S540N, S530N, S423N, S516N.
Identifiers: ClinVar variation 483902 (VCV000483902.15), dbSNP rs1553122804, ClinGen allele CA340131538.
Genomic context (GRCh38, chr1:45,329,328, plus strand): 5'-ACAACAGGATTCTCAGGGAATGGGGGCTTTCAGAGGTGTCACTGGGCTGCACTGTTGAGG[C>T]TGTGTGCATCAGTGGAGATGTGAGACCGAAAGAAATTATCCAGGACTTGCTGGCCCATGC-3'
Protein context (NP_001041639.1, residues 505-521): FRSHISTDAH[Ser515Asn]LNSAAQ